The following is an entry in ClinVar:

NM_015512.5(DNAH1):c.8315A>G (p.Gln2772Arg)

Gene: DNAH1 (dynein axonemal heavy chain 1; plus strand). Cytogenetic location: 3p21.1.
Variant type: single nucleotide variant.
Coding change: c.8315A>G on transcript NM_015512.5 (MANE Select); coding-DNA position 8315, A replaced by G.
Protein change: p.Gln2772Arg; replaces glutamine 2772 with arginine.
Molecular consequence: missense variant.
Genome position (GRCh38, 1-based): chr3:52,384,024, A>G. VCF-style: chr3-52384024-A-G. GRCh37 (hg19) VCF-style: chr3-52418040-A-G.
Other names: short protein forms Q2772R.
Identifiers: ClinVar variation 957503 (VCV000957503.1), dbSNP rs1703985238, ClinGen allele CA353185578.

ClinVar aggregate classification (germline): Uncertain significance (1 of 4 stars; one submission).

Conditions:
Spermatogenic failure 18. Identifiers: MedGen C4539783, MONDO:0054615, OMIM 617576.
Ciliary dyskinesia, primary, 37 (CILD37). Also called: CILIARY DYSKINESIA, PRIMARY, 37, WITH OR WITHOUT SITUS INVERSUS. Identifiers: MedGen C4539798, MONDO:0033204, OMIM 617577.

Submission:

Labcorp Genetics (formerly Invitae), Labcorp
Classification: Uncertain significance for Ciliary dyskinesia, primary, 37; Spermatogenic failure 18. Last evaluated: 2019-08-07. Review status: criteria provided, single submitter. Criteria: Invitae Variant Classification Sherloc (09022015). Collection method: clinical testing. Allele origin: germline.
Comment: This sequence change replaces glutamine with arginine at codon 2772 of the DNAH1 protein (p.Gln2772Arg). The glutamine residue is weakly conserved and there is a small physicochemical difference between glutamine and arginine. This variant is not present in population databases (ExAC no frequency). This variant has not been reported in the literature in individuals with DNAH1-related conditions. Algorithms developed to predict the effect of missense changes on protein structure and function output the following: SIFT: "Tolerated"; PolyPhen-2: "Benign"; Align-GVGD: "Class C0". The arginine amino acid residue is found in multiple mammalian species, suggesting that this missense change does not adversely affect protein function. These predictions have not been confirmed by published functional studies and their clinical significance is uncertain. In summary, the available evidence is currently insufficient to determine the role of this variant in disease. Therefore, it has been classified as a Variant of Uncertain Significance.